The following is an entry in ClinVar:

NM_015559.3(SETBP1):c.2344C>T (p.Gln782Ter)

Gene: SETBP1 (SET binding protein 1; plus strand). Cytogenetic location: 18q12.3.
Variant type: single nucleotide variant.
Coding change: c.2344C>T on transcript NM_015559.3 (MANE Select); coding-DNA position 2344, C replaced by T.
Protein change: p.Gln782Ter; replaces glutamine 782 with a stop codon.
Molecular consequence: nonsense.
Genome position (GRCh38, 1-based): chr18:44,951,684, C>T. VCF-style: chr18-44951684-C-T. GRCh37 (hg19) VCF-style: chr18-42531649-C-T.
Other names: c.2344C>T, p.Gln782Ter (NM_001379141.1, NM_001379142.1, NM_001410862.1); short protein forms Q782*.
Identifiers: ClinVar variation 3661047 (VCV003661047.2).
Genomic context (GRCh38, chr18:44,951,684, plus strand): 5'-CCTTCCAACTTTCAGTCACTTGTGGCGTCTTCACCAGCAGCTATGCACCCACTTTCAACA[C>T]AGTTAGGTGGGTCCAATGGCAACCTGAGCCCTGCCAGCACTGAAACCAATTTTTCAGAGT-3'

ClinVar aggregate classification (germline): Pathogenic (1 of 4 stars; one submission).

Submission:

Labcorp Genetics (formerly Invitae), Labcorp
Classification: Pathogenic. Last evaluated: 2024-07-31. Review status: criteria provided, single submitter. Criteria: Invitae Variant Classification Sherloc (09022015). Collection method: clinical testing. Allele origin: germline.
Comment: This sequence change creates a premature translational stop signal (p.Gln782*) in the SETBP1 gene. It is expected to result in an absent or disrupted protein product. Loss-of-function variants in SETBP1 are known to be pathogenic (PMID: 21037274, 25217958). This variant is not present in population databases (gnomAD no frequency). This variant has not been reported in the literature in individuals affected with SETBP1-related conditions. For these reasons, this variant has been classified as Pathogenic.

Literature cited by the submitters: PubMed 21037274; PubMed 25217958.